The following is an entry in ClinVar:

ClinVar aggregate classification (germline): Benign/Likely benign. Review status: criteria provided, multiple submitters, no conflicts (2 of 4 stars). 2 submissions from 2 submitters: Benign (1); Likely benign (1). Last evaluated 2026-06-16.

Conditions:
Polyps, multiple and recurrent inflammatory fibroid, gastrointestinal. Identifiers: MedGen C5193005, MONDO:0008285, OMIM 175510.
Gastrointestinal stromal tumor. Also called: Gastrointestinal stromal tumor, somatic; Gastrointestinal stroma tumor. Identifiers: Orphanet 44890, MedGen C0238198, MeSH D046152, MONDO:0011719, OMIM 606764, HP:0100723.

Submissions (2):

Myriad Genetics, Inc.
Classification: Benign for Polyps, multiple and recurrent inflammatory fibroid, gastrointestinal. Last evaluated: 2026-06-16. Review status: criteria provided, single submitter. Criteria: Myriad Autosomal Dominant, Autosomal Recessive and X-Linked Classification Criteria (2023). Collection method: clinical testing. Allele origin: unknown.
Comment: This variant is considered benign. This variant is a silent/synonymous amino acid change and it is not expected to impact splicing.

Labcorp Genetics (formerly Invitae), Labcorp
Classification: Likely benign for Gastrointestinal stromal tumor. Last evaluated: 2025-11-03. Review status: criteria provided, single submitter. Criteria: Invitae Variant Classification Sherloc (09022015). Collection method: clinical testing. Allele origin: germline.

NM_006206.6(PDGFRA):c.597G>A (p.Gln199=)

Gene: PDGFRA (platelet derived growth factor receptor alpha; plus strand). Cytogenetic location: 4q12.
Variant type: single nucleotide variant.
Coding change: c.597G>A on transcript NM_006206.6 (MANE Select); coding-DNA position 597, G replaced by A.
Protein change: p.Gln199=; no amino-acid change (glutamine 199 retained).
Molecular consequence: synonymous variant.
Genome position (GRCh38, 1-based): chr4:54,263,896, G>A. VCF-style: chr4-54263896-G-A. GRCh37 (hg19) VCF-style: chr4-55130063-G-A.
Other names: c.597G>A, p.Gln199= (NM_001347827.2, NM_001347829.2); c.672G>A, p.Gln224= (NM_001347828.2); c.636G>A, p.Gln212= (NM_001347830.2).
Identifiers: ClinVar variation 2863349 (VCV002863349.4), dbSNP rs965853822, ClinGen allele CA96849244.